The following is an entry in ClinVar:

NM_001206927.2(DNAH8):c.9194G>A (p.Arg3065Lys)

Gene: DNAH8 (dynein axonemal heavy chain 8; plus strand). Cytogenetic location: 6p21.2.
Variant type: single nucleotide variant.
Coding change: c.9194G>A on transcript NM_001206927.2 (MANE Select); coding-DNA position 9194, G replaced by A.
Protein change: p.Arg3065Lys; replaces arginine 3065 with lysine.
Molecular consequence: missense variant.
Genome position (GRCh38, 1-based): chr6:38,899,906, G>A. VCF-style: chr6-38899906-G-A. GRCh37 (hg19) VCF-style: chr6-38867682-G-A.
Other names: c.8543G>A, p.Arg2848Lys (NM_001371.4); short protein forms R2848K, R3065K.
Identifiers: ClinVar variation 2673061 (VCV002673061.23), dbSNP rs2533328423, ClinGen allele CA364000315.

ClinVar aggregate classification (germline): Uncertain significance (1 of 4 stars; one submission).

Submission:

CeGaT Center for Human Genetics Tuebingen
Classification: Uncertain significance. Last evaluated: 2023-11-01. Review status: criteria provided, single submitter. Criteria: CeGaT Center For Human Genetics Tuebingen Variant Classification Criteria Version 2. Collection method: clinical testing. Allele origin: germline. Affected: yes. Observed: 1 variant allele.
Comment: DNAH8: PM2, PM3:Supporting, PP3